The following is an entry in ClinVar:

ClinVar aggregate classification (germline): Uncertain significance. Review status: reviewed by expert panel (3 of 4 stars). 4 submissions from 4 submitters: Uncertain significance (1). 3 of the submissions do not count toward it. Last evaluated 2023-07-23.

Conditions:
Inborn genetic diseases. Identifiers: MedGen C0950123, MeSH D030342.
Phenylketonuria (PKU). Also called: OLIGOPHRENIA PHENYLPYRUVICA; Phenylketonuria (PKU); Phenylketonurias; FOLLING DISEASE. Identifiers: Orphanet 716, MedGen C0031485, MONDO:0009861, OMIM 261600. Disease mechanism: loss of function.

Allele frequency attached by ClinVar (database versions not stated): TOPMed 0.00003; ExAC 0.00002; gnomAD 0.00004; gnomAD exomes 0.00002.
gnomAD v4.1: 53 of 1,613,788 alleles (0.0033%); highest among the groups gnomAD compares: Admixed American, 0.01%; no homozygotes.

Submissions (4):

ClinGen PAH Variant Curation Expert Panel
Classification: Uncertain significance for Phenylketonuria. Last evaluated: 2023-07-23. Review status: reviewed by expert panel. Criteria: ClinGen PAH ACMG Specifications v1. Collection method: curation. Allele origin: germline. Inheritance: Autosomal recessive inheritance.
Comment: The NM_000277.3:c.420G>A variant in PAH is a synonymous (silent) variant (p.Ala140=) that is not predicted to impact splicing. To our knowledge, this variant has not been reported in the literature and results of functional studies are unavailable. The highest population minor allele frequency in gnomAD v2.1.1 is 0.0001384 (1/7226 alleles) in the Other population, which is lower than the ClinGen PAH VCEP’s threshold for PM2_Supporting (<0.0002), meeting this criterion (PM2_Supporting). There is a ClinVar entry for this variant (Variation ID: 991623, 1 star review status) with one submitter classifying the variant as a variant of uncertain significance and one submitter classifying the variant as likely benign. In summary, this variant meets the criteria to be classified as a variant of uncertain significance for PAH deficiency based on the ACMG/AMP criteria applied, as specified by the ClinGen PAH Variant Curation Expert Panel (Specifications Version 2.0): PM2_Supporting.

Labcorp Genetics (formerly Invitae), Labcorp
Classification: Likely benign for Phenylketonuria. Last evaluated: 2025-10-28. Review status: criteria provided, single submitter. Criteria: Invitae Variant Classification Sherloc (09022015). Collection method: clinical testing. Allele origin: germline. Not counted in ClinVar's aggregate classification.

Ambry Genetics
Classification: Likely benign for Inborn genetic diseases. Last evaluated: 2023-05-05. Review status: criteria provided, single submitter. Criteria: Ambry Variant Classification Scheme 2023. Collection method: clinical testing. Allele origin: germline. Not counted in ClinVar's aggregate classification.

Natera, Inc.
Classification: Uncertain significance for Phenylketonuria. Last evaluated: 2020-04-17. Review status: no assertion criteria provided. Collection method: clinical testing. Allele origin: germline. Not counted in ClinVar's aggregate classification.

NM_000277.3(PAH):c.420G>A (p.Ala140=)

Gene: PAH (phenylalanine hydroxylase; minus strand). Cytogenetic location: 12q23.2.
Variant type: single nucleotide variant.
Coding change: c.420G>A on transcript NM_000277.3 (MANE Select); coding-DNA position 420, G replaced by A.
Protein change: p.Ala140=; no amino-acid change (alanine 140 retained).
Molecular consequence: synonymous variant.
Genome position (GRCh38, 1-based): chr12:102,877,483, C>T on the plus strand (G>A on the coding strand, the complement: PAH is on the minus strand). VCF-style: chr12-102877483-C-T. GRCh37 (hg19) VCF-style: chr12-103271261-C-T.
Other names: NM_000277.3(PAH):c.420G>A; p.Ala140=; c.420G>A, p.Ala140= (NM_001354304.2); c.420G>A (NM_000277.1).
Identifiers: ClinVar variation 991623 (VCV000991623.12), dbSNP rs200366386, ClinGen allele CA6748958.
Genomic context (GRCh38, chr12:102,877,483, plus strand): 5'-GGCACTGAAAAAATCTCATCCTACGGGCCATGGACTCACAGGGTGGTCAGCATCCAGTTC[C>T]GCTCCATAGCTGAGAATCTGATTGGCAAATCTGTCCAGCTCTTGAATGGTTCTTGGGAAC-3'
Protein context (NP_000268.1, residues 130-150): RFANQILSYG[Ala140=]ELDADHPGFK